The following is an entry in ClinVar:

ClinVar aggregate classification (germline): Uncertain significance (1 of 4 stars; one submission).

Allele frequency attached by ClinVar (database versions not stated): ExAC 0.00001; gnomAD exomes 0.00002; gnomAD 0.00003; TOPMed 0.00005.
gnomAD v4.1: 19 of 1,204,985 alleles (0.0016%); highest among the groups gnomAD compares: African/African-American, 0.011%; no homozygotes.

Submission:

Labcorp Genetics (formerly Invitae), Labcorp
Classification: Uncertain significance. Last evaluated: 2025-01-08. Review status: criteria provided, single submitter. Criteria: Invitae Variant Classification Sherloc (09022015). Collection method: clinical testing. Allele origin: germline.
Comment: This sequence change replaces proline, which is neutral and non-polar, with leucine, which is neutral and non-polar, at codon 428 of the SH3KBP1 protein (p.Pro428Leu). This variant is present in population databases (rs769375018, gnomAD 0.01%). This missense change has been observed in individual(s) with West syndrome (PMID: 29667327). ClinVar contains an entry for this variant (Variation ID: 2918518). Invitae Evidence Modeling of protein sequence and biophysical properties (such as structural, functional, and spatial information, amino acid conservation, physicochemical variation, residue mobility, and thermodynamic stability) indicates that this missense variant is not expected to disrupt SH3KBP1 protein function with a negative predictive value of 80%. In summary, the available evidence is currently insufficient to determine the role of this variant in disease. Therefore, it has been classified as a Variant of Uncertain Significance.

Literature cited by the submitters: PubMed 29667327.

NM_031892.3(SH3KBP1):c.1283C>T (p.Pro428Leu)

Gene: SH3KBP1 (SH3 domain containing kinase binding protein 1; minus strand). Cytogenetic location: Xp22.12.
Variant type: single nucleotide variant.
Coding change: c.1283C>T on transcript NM_031892.3 (MANE Select); coding-DNA position 1283, C replaced by T.
Protein change: p.Pro428Leu; replaces proline 428 with leucine.
Molecular consequence: missense variant.
Genome position (GRCh38, 1-based): chrX:19,588,658, G>A on the plus strand (C>T on the coding strand, the complement: SH3KBP1 is on the minus strand). VCF-style: chrX-19588658-G-A. GRCh37 (hg19) VCF-style: chrX-19606776-G-A.
Other names: c.1172C>T, p.Pro391Leu (NM_001024666.3); c.569C>T, p.Pro190Leu (NM_001184960.2, NM_001353897.2); c.1283C>T, p.Pro428Leu (NM_001353890.2); c.1358C>T, p.Pro453Leu (NM_001353891.2, NM_001353892.2); c.1181C>T, p.Pro394Leu (NM_001353893.2, NM_001353894.2); c.1238C>T, p.Pro413Leu (NM_001353895.2); c.1415C>T, p.Pro472Leu (NM_001410756.1, NM_001410757.1); c.1106C>T, p.Pro369Leu (NM_001410758.1); short protein forms P428L, P394L, P190L, P369L, P391L, P413L, P453L, P472L.
Identifiers: ClinVar variation 2918518 (VCV002918518.3), dbSNP rs769375018, ClinGen allele CA10364608.